The following is an entry in ClinVar:

NM_007373.4(SHOC2):c.923C>T (p.Ala308Val)

Gene: SHOC2 (SHOC2 leucine rich repeat scaffold protein; plus strand). Cytogenetic location: 10q25.2.
Variant type: single nucleotide variant.
Coding change: c.923C>T on transcript NM_007373.4 (MANE Select); coding-DNA position 923, C replaced by T.
Protein change: p.Ala308Val; replaces alanine 308 with valine.
Molecular consequence: missense variant. On other transcripts: non-coding transcript variant (1).
Genome position (GRCh38, 1-based): chr10:111,000,496, C>T. VCF-style: chr10-111000496-C-T. GRCh37 (hg19) VCF-style: chr10-112760254-C-T.
Other names: c.785C>T, p.Ala262Val (NM_001269039.3); c.923C>T, p.Ala308Val (NM_001324336.2, NM_001324337.2); short protein forms A308V, A262V.
Identifiers: ClinVar variation 2079012 (VCV002079012.6), dbSNP rs139383612, ClinGen allele CA5689684.

ClinVar aggregate classification (germline): Uncertain significance. Review status: criteria provided, multiple submitters, no conflicts (2 of 4 stars). 3 submissions from 3 submitters: Uncertain significance (3). Last evaluated 2025-08-05.

Conditions:
RASopathy. Also called: rasopathies; Noonan spectrum disorder. Identifiers: Orphanet 536391, MedGen C5555857, MONDO:0021060.
Cardiovascular phenotype. Identifiers: MedGen CN230736.

Allele frequency attached by ClinVar (database versions not stated): ExAC 0.00001; TOPMed 0.00001; gnomAD exomes 0.00002; ESP Exome Variant Server 0.00008.
gnomAD v4.1: 23 of 1,611,408 alleles (0.0014%); highest among the groups gnomAD compares: Non-Finnish European, 0.0019%; no homozygotes.

Submissions (3):

Labcorp Genetics (formerly Invitae), Labcorp
Classification: Uncertain significance for RASopathy. Last evaluated: 2025-08-05. Review status: criteria provided, single submitter. Criteria: Invitae Variant Classification Sherloc (09022015). Collection method: clinical testing. Allele origin: germline.
Comment: This sequence change replaces alanine, which is neutral and non-polar, with valine, which is neutral and non-polar, at codon 308 of the SHOC2 protein (p.Ala308Val). This variant is present in population databases (rs139383612, gnomAD 0.0009%). This variant has not been reported in the literature in individuals affected with SHOC2-related conditions. ClinVar contains an entry for this variant (Variation ID: 2079012). Invitae Evidence Modeling of protein sequence and biophysical properties (such as structural, functional, and spatial information, amino acid conservation, physicochemical variation, residue mobility, and thermodynamic stability) indicates that this missense variant is not expected to disrupt SHOC2 protein function with a negative predictive value of 80%. In summary, the available evidence is currently insufficient to determine the role of this variant in disease. Therefore, it has been classified as a Variant of Uncertain Significance.

Women's Health and Genetics/Laboratory Corporation of America, LabCorp
Classification: Uncertain significance. Last evaluated: 2023-03-21. Review status: criteria provided, single submitter. Criteria: LabCorp Variant Classification Summary - May 2015. Collection method: clinical testing. Allele origin: germline.
Comment: Variant summary: SHOC2 c.923C>T (p.Ala308Val) results in a non-conservative amino acid change in the encoded protein sequence. Three of five in-silico tools predict a benign effect of the variant on protein function. The variant allele was found at a frequency of 8e-06 in 251290 control chromosomes (gnomAD). The available data on variant occurrences in the general population are insufficient to allow any conclusion about variant significance. To our knowledge, no occurrence of c.923C>T in individuals affected with Noonan Syndrome With Loose Anagen Hair and no experimental evidence demonstrating its impact on protein function have been reported. Two clinical diagnostic laboratories have submitted clinical-significance assessments for this variant to ClinVar after 2014 and classified the variant as uncertain significance. Based on the evidence outlined above, the variant was classified as uncertain significance.

Ambry Genetics
Classification: Uncertain significance for Cardiovascular phenotype. Last evaluated: 2021-01-26. Review status: criteria provided, single submitter. Criteria: Ambry Variant Classification Scheme 2023. Collection method: clinical testing. Allele origin: germline.
Comment: The c.923C>T (p.A308V) alteration is located in exon 4 (coding exon 3) of the SHOC2 gene. This alteration results from a C to T substitution at nucleotide position 923, causing the alanine (A) at amino acid position 308 to be replaced by a valine (V). The p.A308V alteration is predicted to be tolerated by in silico analysis. Based on insufficient or conflicting evidence, the clinical significance of this alteration remains unclear.